The following is an entry in ClinVar:

NM_004612.4(TGFBR1):c.1487G>A (p.Ser496Asn)

Gene: TGFBR1 (transforming growth factor beta receptor 1; plus strand). Cytogenetic location: 9q22.33.
Variant type: single nucleotide variant.
Coding change: c.1487G>A on transcript NM_004612.4 (MANE Select); coding-DNA position 1487, G replaced by A.
Protein change: p.Ser496Asn; replaces serine 496 with asparagine.
Molecular consequence: missense variant.
Genome position (GRCh38, 1-based): chr9:99,149,280, G>A. VCF-style: chr9-99149280-G-A. GRCh37 (hg19) VCF-style: chr9-101911562-G-A.
Other names: p.S496N:AGT>AAT; c.1256G>A, p.Ser419Asn (NM_001130916.3); c.1499G>A, p.Ser500Asn (NM_001306210.2); short protein forms S496N, S500N, S419N.
Identifiers: ClinVar variation 213895 (VCV000213895.3), dbSNP rs764733540, ClinGen allele CA041016.

ClinVar aggregate classification (germline): Uncertain significance. Review status: criteria provided, multiple submitters, no conflicts (2 of 4 stars). 2 submissions from 2 submitters: Uncertain significance (2). Last evaluated 2025-05-14.

Conditions:
Familial thoracic aortic aneurysm and aortic dissection (TAAD). Also called: Thoracic aortic aneurysms and dissections. Identifiers: Orphanet 91387, MedGen C4707243, MONDO:0019625.

Allele frequency attached by ClinVar (database versions not stated): ExAC 0.00001; gnomAD 0.00001; TOPMed 0.00001.
gnomAD v4.1: 1 of 1,613,746 alleles (0.000062%); highest among the groups gnomAD compares: African/African-American, 0.0013%; no homozygotes.

Submissions (2):

Ambry Genetics
Classification: Uncertain significance for Familial thoracic aortic aneurysm and aortic dissection. Last evaluated: 2025-05-14. Review status: criteria provided, single submitter. Criteria: Ambry Variant Classification Scheme 2023. Collection method: clinical testing. Allele origin: germline.

GeneDx
Classification: Uncertain significance. Last evaluated: 2014-12-29. Review status: criteria provided, single submitter. Criteria: GeneDx Variant Classification (06012015). Collection method: clinical testing. Allele origin: germline. Affected: yes.
Comment: p.Ser496Asn (AGT>AAT): c.1487 G>A in exon 9 of the TGFBR1 gene (NM_004612.2) The S496N variant of unknown significance in the TGFBR1 gene has not been published as a mutation or been reported as a benign polymorphism to our knowledge. The S496N variant was not observed in approximately 6500 individuals of European and African American ancestry in the NHLBI Exome Sequencing Project, indicating it is not a common benign variant in these populations. Although S496N is a conservative amino acid substitution, which is not likely to impact secondary protein structure as these residues share similar properties, this substitution is conserved across species. Missense mutations in nearby residues (L486S, R487W, R487G, R487P, R487Q) have been reported in association with TGFBR1-related disorders, supporting the functional importance of this region of the protein. However, in silico analysis is inconsistent in its predictions as to whether or not the variant is damaging to the protein structure/function. Therefore, based on the currently available information, it is unclear whether this variant is a pathogenic mutation or a rare benign variant. This variant was found in TAADV2-1